The following is an entry in ClinVar:

ClinVar aggregate classification (germline): Benign. Review status: criteria provided, multiple submitters, no conflicts (2 of 4 stars). 3 submissions from 3 submitters: Benign (3). Last evaluated 2026-02-04.

Conditions:
Joubert syndrome 21 (JBTS21). Identifiers: MedGen C3810212, MONDO:0014288, OMIM 615636.

Allele frequency attached by ClinVar (database versions not stated): 1000 Genomes Project 0.01418; 1000 Genomes Project 30x 0.01515; gnomAD exomes 0.02761 and 0.03763; gnomAD 0.02796 and 0.02944; TOPMed 0.02854; ExAC 0.02929; ESP Exome Variant Server 0.02952.
gnomAD v4.1: 58,842 of 1,612,626 alleles (3.6%); highest among the groups gnomAD compares: Non-Finnish European, 4.4%; 1,289 homozygotes.

Submissions (3):

Labcorp Genetics (formerly Invitae), Labcorp
Classification: Benign for Joubert syndrome 21. Last evaluated: 2026-02-04. Review status: criteria provided, single submitter. Criteria: Invitae Variant Classification Sherloc (09022015). Collection method: clinical testing. Allele origin: germline.

GeneDx
Classification: Benign. Last evaluated: 2016-02-26. Review status: criteria provided, single submitter. Criteria: GeneDx Variant Classification (06012015). Collection method: clinical testing. Allele origin: germline. Affected: yes.
Comment: This variant is considered likely benign or benign based on one or more of the following criteria: it is a conservative change, it occurs at a poorly conserved position in the protein, it is predicted to be benign by multiple in silico algorithms, and/or has population frequency not consistent with disease.

Breakthrough Genomics
Classification: Benign. Review status: criteria provided, single submitter. Criteria: ACMG Guidelines, 2015. Collection method: not provided. Allele origin: germline. Inheritance: Autosomal recessive inheritance. Affected: yes.

NM_001382391.1(CSPP1):c.-34C>G

Gene: CSPP1 (centrosome and spindle pole associated protein 1; plus strand). Cytogenetic location: 8q13.1.
Variant type: single nucleotide variant.
Coding change: c.-34C>G on transcript NM_001382391.1 (MANE Select); 34 bases upstream of the start codon, C replaced by G.
Molecular consequence: 5 prime UTR variant. On other transcripts: intron variant (6).
Genome position (GRCh38, 1-based): chr8:67,064,515, C>G. VCF-style: chr8-67064515-C-G. GRCh37 (hg19) VCF-style: chr8-67976750-C-G.
Other names: c.-34C>G (NM_001363131.2, NM_001363132.2, NM_001363133.2); c.98+19C>G (NM_001364869.1, NM_024790.7, NM_001438331.1 and 3 more transcripts).
Identifiers: ClinVar variation 379640 (VCV000379640.11), dbSNP rs117210747, ClinGen allele CA4770075.